The following is an entry in ClinVar:

NM_000321.3(RB1):c.2768C>T (p.Ser923Leu)

Gene: RB1 (RB transcriptional corepressor 1; plus strand). Cytogenetic location: 13q14.2.
Variant type: single nucleotide variant.
Coding change: c.2768C>T on transcript NM_000321.3 (MANE Select); coding-DNA position 2768, C replaced by T.
Protein change: p.Ser923Leu; replaces serine 923 with leucine.
Molecular consequence: missense variant.
Genome position (GRCh38, 1-based): chr13:48,480,052, C>T. VCF-style: chr13-48480052-C-T. GRCh37 (hg19) VCF-style: chr13-49054188-C-T.
Other names: short protein forms S923L.
Identifiers: ClinVar variation 1493861 (VCV001493861.8), dbSNP rs2138364560, ClinGen allele CA388158564.

ClinVar aggregate classification (germline): Uncertain significance (1 of 4 stars; one submission).

Conditions:
Retinoblastoma (RB1). Also called: RETINOBLASTOMA, SOMATIC. Identifiers: Orphanet 790, MedGen C0035335, MeSH D012175, MONDO:0008380, OMIM 180200, HP:0009919. Disease mechanism: loss of function. Inheritance: Both sporadic and heritable forms are tested..

Submission:

Labcorp Genetics (formerly Invitae), Labcorp
Classification: Uncertain significance for Retinoblastoma. Last evaluated: 2020-12-15. Review status: criteria provided, single submitter. Criteria: Invitae Variant Classification Sherloc (09022015). Collection method: clinical testing. Allele origin: germline.
Comment: In summary, the available evidence is currently insufficient to determine the role of this variant in disease. Therefore, it has been classified as a Variant of Uncertain Significance. Algorithms developed to predict the effect of missense changes on protein structure and function (SIFT, PolyPhen-2, Align-GVGD) all suggest that this variant is likely to be tolerated, but these predictions have not been confirmed by published functional studies and their clinical significance is uncertain. This variant has not been reported in the literature in individuals with RB1-related conditions. This variant is not present in population databases (ExAC no frequency). This sequence change replaces serine with leucine at codon 923 of the RB1 protein (p.Ser923Leu). The serine residue is highly conserved and there is a large physicochemical difference between serine and leucine.